The following is an entry in ClinVar:

ClinVar aggregate classification (germline): Uncertain significance (1 of 4 stars; one submission).

Conditions:
Epidermodysplasia verruciformis. Identifiers: Orphanet 302, MedGen C0014522, MONDO:0009176.

Allele frequency attached by ClinVar (database versions not stated): gnomAD exomes below 0.00001 and 0.00001; ExAC 0.00001; gnomAD 0.00001; 1000 Genomes Project 0.00020; 1000 Genomes Project 30x 0.00031.
gnomAD v4.1: 2 of 1,614,038 alleles (0.00012%); highest among the groups gnomAD compares: African/African-American, 0.0027%; no homozygotes.

Submission:

Labcorp Genetics (formerly Invitae), Labcorp
Classification: Uncertain significance for Epidermodysplasia verruciformis. Last evaluated: 2018-09-19. Review status: criteria provided, single submitter. Criteria: Invitae Variant Classification Sherloc (09022015). Collection method: clinical testing. Allele origin: germline.
Comment: In summary, the available evidence is currently insufficient to determine the role of this variant in disease. Therefore, it has been classified as a Variant of Uncertain Significance. Algorithms developed to predict the effect of missense changes on protein structure and function are either unavailable or do not agree on the potential impact of this missense change (SIFT: "Tolerated"; PolyPhen-2: "Probably Damaging"; Align-GVGD: "Class C15"). This variant has not been reported in the literature in individuals with TMC8-related disease. This variant is present in population databases (rs530521432, ExAC 0.01%). This sequence change replaces tyrosine with cysteine at codon 323 of the TMC8 protein (p.Tyr323Cys). The tyrosine residue is weakly conserved and there is a large physicochemical difference between tyrosine and cysteine.

NM_152468.5(TMC8):c.968A>G (p.Tyr323Cys)

Gene: TMC8 (transmembrane channel like 8; plus strand). Cytogenetic location: 17q25.3.
Variant type: single nucleotide variant.
Coding change: c.968A>G on transcript NM_152468.5 (MANE Select); coding-DNA position 968, A replaced by G.
Protein change: p.Tyr323Cys; replaces tyrosine 323 with cysteine.
Molecular consequence: missense variant.
Genome position (GRCh38, 1-based): chr17:78,134,545, A>G. VCF-style: chr17-78134545-A-G. GRCh37 (hg19) VCF-style: chr17-76130626-A-G.
Other names: short protein forms Y323C.
Identifiers: ClinVar variation 654987 (VCV000654987.10), dbSNP rs530521432, ClinGen allele CA8796670.